The following is an entry in ClinVar:

NM_170606.3(KMT2C):c.8724T>C (p.Ser2908=)

Gene: KMT2C (lysine methyltransferase 2C; minus strand). Cytogenetic location: 7q36.1.
Variant type: single nucleotide variant.
Coding change: c.8724T>C on transcript NM_170606.3 (MANE Select); coding-DNA position 8724, T replaced by C.
Protein change: p.Ser2908=; no amino-acid change (serine 2908 retained).
Molecular consequence: synonymous variant.
Genome position (GRCh38, 1-based): chr7:152,176,729, A>G on the plus strand (T>C on the coding strand, the complement: KMT2C is on the minus strand). VCF-style: chr7-152176729-A-G. GRCh37 (hg19) VCF-style: chr7-151873814-A-G.
Identifiers: ClinVar variation 4872605 (VCV004872605.2).

ClinVar aggregate classification (germline): Likely benign (1 of 4 stars; one submission).

gnomAD v4.1: 7 of 1,614,104 alleles (0.00043%); highest among the groups gnomAD compares: Middle Eastern, 0.016%; no homozygotes.

Submission:

CeGaT Center for Human Genetics Tuebingen
Classification: Likely benign. Last evaluated: 2026-04-01. Review status: criteria provided, single submitter. Criteria: CeGaT Center For Human Genetics Tuebingen Variant Classification Criteria Version 2. Collection method: clinical testing. Allele origin: germline. Affected: yes. Observed: 1 variant allele.
Comment: KMT2C: BP4, BP7